The following is an entry in ClinVar:

ClinVar aggregate classification (germline): Uncertain significance. Review status: criteria provided, multiple submitters, no conflicts (2 of 4 stars). 3 submissions from 3 submitters: Uncertain significance (3). Last evaluated 2025-07-01.

Conditions:
Inborn genetic diseases. Identifiers: MedGen C0950123, MeSH D030342.
Leukoencephalopathy, hereditary diffuse, with spheroids 2 (HDLS2). Also called: LEUKOENCEPHALOPATHY, HEREDITARY DIFFUSE, WITH SPHEROIDS, SWEDISH TYPE. Identifiers: MedGen C5562044, MONDO:0030634, OMIM 619661.
Charcot-Marie-Tooth disease type 2. Also called: Charcot-Marie-Tooth type 2. Identifiers: Orphanet 64746, MedGen C0270914, MONDO:0018993.

Allele frequency attached by ClinVar (database versions not stated): gnomAD exomes 0.00003 and 0.00001; TOPMed 0.00002; gnomAD 0.00001; ExAC 0.00004.

Submissions (3):

Ambry Genetics
Classification: Uncertain significance for Inborn genetic diseases. Last evaluated: 2025-07-01. Review status: criteria provided, single submitter. Criteria: Ambry Variant Classification Scheme 2023. Collection method: clinical testing. Allele origin: germline.

Department of Biochemistry, All India Institute of Medical Sciences, Kalyani
Classification: Uncertain significance for Leukoencephalopathy, hereditary diffuse, with spheroids 2. Last evaluated: 2025-05-13. Review status: criteria provided, single submitter. Criteria: ACMG Guidelines, 2015. Collection method: clinical testing. Allele origin: germline. Affected: no.
Comment: The NM_001605.3:c.580C>T, is a missense variant in the exon 5 of AARS1 gene which is predicted to result in change in amino acid Arginine to Tryptophan in position 194 in the polypeptide chain. This amino acid change leads to a deleterious effect on the protein as per computational prediction tools (aggregate score Revel - 0.861) (PMID: 36413997) (PP3 – Pathogenic Moderate). EEG is found to be normal. MRI of the brain showed bilateral cystic lesion in the temporal lobe and caudate region, thin corpus callosum posterior>anterior), delayed myelination and mild cortical atrophy. Hence this was not a de novo variant. This variant is not reported in the literature. This variant has an allele frequency of 0.000009914 in gnomAD v4.1.0 and is not reported in South Asians (PM2 – Pathogenic Moderate). In summary, this variant meets criteria to be classified as variant of uncertain significance based on the ACMG/AMP criteria applied, as specified by PP3 & PM2 criteria.

Labcorp Genetics (formerly Invitae), Labcorp
Classification: Uncertain significance for Charcot-Marie-Tooth disease type 2. Last evaluated: 2024-10-18. Review status: criteria provided, single submitter. Criteria: Invitae Variant Classification Sherloc (09022015). Collection method: clinical testing. Allele origin: germline.
Comment: This sequence change replaces arginine, which is basic and polar, with tryptophan, which is neutral and slightly polar, at codon 194 of the AARS protein (p.Arg194Trp). The frequency data for this variant in the population databases is considered unreliable, as metrics indicate poor data quality at this position in the gnomAD database. This variant has not been reported in the literature in individuals affected with AARS-related conditions. ClinVar contains an entry for this variant (Variation ID: 572994). Invitae Evidence Modeling of protein sequence and biophysical properties (such as structural, functional, and spatial information, amino acid conservation, physicochemical variation, residue mobility, and thermodynamic stability) has been performed for this missense variant. However, the output from this modeling did not meet the statistical confidence thresholds required to predict the impact of this variant on AARS protein function. In summary, the available evidence is currently insufficient to determine the role of this variant in disease. Therefore, it has been classified as a Variant of Uncertain Significance.

NM_001605.3(AARS1):c.580C>T (p.Arg194Trp)

Gene: AARS1 (alanyl-tRNA synthetase 1; minus strand). Cytogenetic location: 16q22.1.
Variant type: single nucleotide variant.
Coding change: c.580C>T on transcript NM_001605.3 (MANE Select); coding-DNA position 580, C replaced by T.
Protein change: p.Arg194Trp; replaces arginine 194 with tryptophan.
Molecular consequence: missense variant.
Genome position (GRCh38, 1-based): chr16:70,271,872, G>A on the plus strand (C>T on the coding strand, the complement: AARS1 is on the minus strand). VCF-style: chr16-70271872-G-A. GRCh37 (hg19) VCF-style: chr16-70305775-G-A.
Other names: chr16-70271872 G>A; p.Arg194Trp; short protein forms R194W.
Identifiers: ClinVar variation 572994 (VCV000572994.10), dbSNP rs764675357, ClinGen allele CA8141097.